The following is an entry in ClinVar:

ClinVar aggregate classification (germline): Conflicting classifications of pathogenicity. Review status: criteria provided, conflicting classifications (1 of 4 stars). 4 submissions from 4 submitters: Uncertain significance (1); Likely benign (3). Last evaluated 2025-04-09.

Conditions:
Cardiovascular phenotype. Identifiers: MedGen CN230736.
Hypercholesterolemia, autosomal dominant, type B (FHCL2). Also called: Familial hypercholesterolemia 2; Hyperlipoproteinemia Type IIb; Familial Hypercholesterolemia Type B; APOB-Related Familial Hypercholesterolemia, Autosomal Dominant; APOLIPOPROTEIN B-100, FAMILIAL DEFECTIVE; APOLIPOPROTEIN B-100, FAMILIAL LIGAND-DEFECTIVE. Identifiers: MedGen C1704417, MONDO:0007751, OMIM 144010.
Familial hypobetalipoproteinemia 1. Also called: APOB-Related Familial Hypobetalipoproteinemia; Hypobetalipoproteinemia, normotriglyceridemic; Acanthocytosis with hypobetalipoproteinemia. Identifiers: MedGen C4551990, MONDO:0014252, OMIM 615558.

Allele frequency attached by ClinVar (database versions not stated): gnomAD 0.00001; gnomAD exomes 0.00001.
gnomAD v4.1: 54 of 1,613,906 alleles (0.0033%); highest among the groups gnomAD compares: Non-Finnish European, 0.0045%; no homozygotes.

Submissions (4):

Molecular Diagnostic Laboratory for Inherited Cardiovascular Disease, Montreal Heart Institute
Classification: Likely benign. Last evaluated: 2025-04-09. Review status: criteria provided, single submitter. Criteria: ACMG Guidelines, 2015. Collection method: clinical testing. Allele origin: germline. Affected: no.

Quest Diagnostics Nichols Institute San Juan Capistrano
Classification: Uncertain significance. Last evaluated: 2024-10-14. Review status: criteria provided, single submitter. Criteria: Quest Diagnostics criteria. Collection method: clinical testing. Allele origin: unknown.
Comment: The APOB c.339G>C (p.Leu113=) synonymous variant has not been reported in individuals with APOB-related conditions in the published literature. The frequency of this variant in the general population, 0.000011 (3/282736 chromosomes (Genome Aggregation Database)), is uninformative in the assessment of its pathogenicity. Analysis of this variant using software algorithms for the prediction of the effect of nucleotide changes on splicing yielded predictions that this variant does not affect APOB mRNA splicing. Based on the available information, we are unable to determine the clinical significance of this variant.

Ambry Genetics
Classification: Likely benign for Cardiovascular phenotype. Last evaluated: 2023-02-28. Review status: criteria provided, single submitter. Criteria: Ambry Variant Classification Scheme 2023. Collection method: clinical testing. Allele origin: germline.

Labcorp Genetics (formerly Invitae), Labcorp
Classification: Likely benign for Familial hypobetalipoproteinemia 1; Hypercholesterolemia, autosomal dominant, type B. Last evaluated: 2022-02-10. Review status: criteria provided, single submitter. Criteria: Invitae Variant Classification Sherloc (09022015). Collection method: clinical testing. Allele origin: germline.

NM_000384.3(APOB):c.339G>C (p.Leu113=)

Gene: APOB (apolipoprotein B; minus strand). Cytogenetic location: 2p24.1.
Variant type: single nucleotide variant.
Coding change: c.339G>C on transcript NM_000384.3 (MANE Select); coding-DNA position 339, G replaced by C.
Protein change: p.Leu113=; no amino-acid change (leucine 113 retained).
Molecular consequence: synonymous variant.
Genome position (GRCh38, 1-based): chr2:21,040,982, C>G on the plus strand (G>C on the coding strand, the complement: APOB is on the minus strand). VCF-style: chr2-21040982-C-G. GRCh37 (hg19) VCF-style: chr2-21263854-C-G.
Other names: c.339G>C (NM_000384.2).
Identifiers: ClinVar variation 1580379 (VCV001580379.12), dbSNP rs1367232226, ClinGen allele CA425121567.